The following is an entry in ClinVar:

NM_015076.5(CDK19):c.1218C>G (p.Asn406Lys)

Gene: CDK19 (cyclin dependent kinase 19; minus strand). Cytogenetic location: 6q21.
Variant type: single nucleotide variant.
Coding change: c.1218C>G on transcript NM_015076.5 (MANE Select); coding-DNA position 1218, C replaced by G.
Protein change: p.Asn406Lys; replaces asparagine 406 with lysine.
Molecular consequence: missense variant.
Genome position (GRCh38, 1-based): chr6:110,621,263, G>C on the plus strand (C>G on the coding strand, the complement: CDK19 is on the minus strand). VCF-style: chr6-110621263-G-C. GRCh37 (hg19) VCF-style: chr6-110942466-G-C.
Other names: c.1086C>G, p.Asn362Lys (NM_001300960.2); c.1038C>G, p.Asn346Lys (NM_001300963.2, NM_001300964.2); short protein forms N362K, N346K, N406K.
Identifiers: ClinVar variation 2537950 (VCV002537950.2), dbSNP rs1309504394, ClinGen allele CA365355952.
Genomic context (GRCh38, chr6:110,621,263, plus strand): 5'-GCTGTGCTGCAACCCTGCTCCGGTGCCCCCGACCCCGGCCCCAGCCCCACCTGCGGTCCC[G>C]TTGGTCTGGGTGCTGTTCTGCTGTGGTGGGGGCGCCTGTGGAGGGGCTGCTGCCTGCTGT-3'
Protein context (NP_055891.1, residues 396-416): PPPQQNSTQT[Asn406Lys]GTAGGAGAGV

ClinVar aggregate classification (germline): Uncertain significance (1 of 4 stars; one submission).

Conditions:
Inborn genetic diseases. Identifiers: MedGen C0950123, MeSH D030342.

gnomAD v4.1: 1 of 1,613,198 alleles (0.000062%); highest among the groups gnomAD compares: Non-Finnish European, 0.000085%; no homozygotes.

Submission:

Ambry Genetics
Classification: Uncertain significance for Inborn genetic diseases. Last evaluated: 2023-05-22. Review status: criteria provided, single submitter. Criteria: Ambry Variant Classification Scheme 2023. Collection method: clinical testing. Allele origin: germline.
Comment: The c.1218C>G (p.N406K) alteration is located in coding exon 12 of the CDK19 gene. This alteration results from a C to G substitution at nucleotide position 1218, causing the asparagine (N) at amino acid position 406 to be replaced by a lysine (K). This variant was not reported in population-based cohorts in the Genome Aggregation Database (gnomAD). This amino acid position is highly conserved in available vertebrate species. This alteration is predicted to be tolerated by in silico analysis. Based on insufficient or conflicting evidence, the clinical significance of this alteration remains unclear.